The following is an entry in ClinVar:

NM_000492.4(CFTR):c.184G>T (p.Ala62Ser)

Genes: CFTR (CF transmembrane conductance regulator; plus strand), LOC113664106 (CFTR intron 2 DNase I hypersensitive site; plus strand). Cytogenetic location: 7q31.2.
Variant type: single nucleotide variant.
Coding change: c.184G>T on transcript NM_000492.4 (MANE Select); coding-DNA position 184, G replaced by T.
Protein change: p.Ala62Ser; replaces alanine 62 with serine.
Molecular consequence: missense variant.
Genome position (GRCh38, 1-based): chr7:117,509,053, G>T. VCF-style: chr7-117509053-G-T. GRCh37 (hg19) VCF-style: chr7-117149107-G-T.
Other names: short protein forms A62S.
Identifiers: ClinVar variation 1379486 (VCV001379486.8), dbSNP rs1584776330, ClinGen allele CA368972138.
Genomic context (GRCh38, chr7:117,509,053, plus strand): 5'-GCACATGCAACTTATTGGTCCCACTTTTTATTCTTTTGCAGAGAATGGGATAGAGAGCTG[G>T]CTTCAAAGAAAAATCCTAAACTCATTAATGCCCTTCGGCGATGTTTTTTCTGGAGATTTA-3'
Protein context (NP_000483.3, residues 52-72): KLEREWDREL[Ala62Ser]SKKNPKLINA

ClinVar aggregate classification (germline): Uncertain significance (1 of 4 stars; one submission).

Conditions:
Cystic fibrosis (CF). Also called: MUCOVISCIDOSIS. Identifiers: Orphanet 586, MedGen C0010674, MONDO:0009061, OMIM 219700. Disease mechanism: loss of function.

Submission:

Labcorp Genetics (formerly Invitae), Labcorp
Classification: Uncertain significance for Cystic fibrosis. Last evaluated: 2021-07-23. Review status: criteria provided, single submitter. Criteria: Invitae Variant Classification Sherloc (09022015). Collection method: clinical testing. Allele origin: germline.
Comment: This sequence change replaces alanine with serine at codon 62 of the CFTR protein (p.Ala62Ser). The alanine residue is moderately conserved and there is a moderate physicochemical difference between alanine and serine. This variant is not present in population databases (ExAC no frequency). This variant has not been reported in the literature in individuals affected with CFTR-related conditions. Algorithms developed to predict the effect of missense changes on protein structure and function (SIFT, PolyPhen-2, Align-GVGD) all suggest that this variant is likely to be tolerated. In summary, the available evidence is currently insufficient to determine the role of this variant in disease. Therefore, it has been classified as a Variant of Uncertain Significance.